The following is an entry in ClinVar:

NM_000463.3(UGT1A1):c.1006C>T (p.Arg336Trp)

Genes: UGT1A (UDP glucuronosyltransferase family 1 member A complex locus; plus strand), UGT1A1 (UDP glucuronosyltransferase family 1 member A1; plus strand), UGT1A10 (UDP glucuronosyltransferase family 1 member A10; plus strand), UGT1A3 (UDP glucuronosyltransferase family 1 member A3; plus strand), UGT1A4 (UDP glucuronosyltransferase family 1 member A4; plus strand) and 5 more. Cytogenetic location: 2q37.1.
Variant type: single nucleotide variant.
Coding change: c.1006C>T on transcript NM_000463.3 (MANE Select); coding-DNA position 1006, C replaced by T.
Protein change: p.Arg336Trp; replaces arginine 336 with tryptophan.
Molecular consequence: missense variant.
Genome position (GRCh38, 1-based): chr2:233,767,858, C>T. VCF-style: chr2-233767858-C-T. GRCh37 (hg19) VCF-style: chr2-234676504-C-T.
Other names: UGT1A1*32; 1006(C>T); c.997C>T, p.Arg333Trp (NM_019075.4, NM_019076.5, NM_019077.3 and 1 more transcripts); c.1003C>T, p.Arg335Trp (NM_001072.4); c.202C>T, p.Arg68Trp (NM_205862.3); c.1009C>T, p.Arg337Trp (NM_019078.2, NM_007120.3, NM_019093.4); short protein forms R336W, R333W, R335W, R68W, R337W.
Identifiers: ClinVar variation 437450 (VCV000437450.14), dbSNP rs139607673, ClinGen allele CA2179964.

ClinVar aggregate classification (germline): Pathogenic. Review status: criteria provided, multiple submitters, no conflicts (2 of 4 stars). 6 submissions from 6 submitters: Pathogenic (6). Last evaluated 2025-07-02.

Conditions:
UGT1A1-related disorder. Also called: UGT1A1-related disorders; UGT1A1-related condition.
Cholestasis. Identifiers: MedGen C0008370, MONDO:0001751, HP:0001396.
Crigler-Najjar syndrome. Identifiers: Orphanet 205, MedGen C5551003, MONDO:0009044.

Allele frequency attached by ClinVar (database versions not stated): gnomAD exomes below 0.00001; ExAC 0.00001; gnomAD 0.00001; TOPMed 0.00001; ESP Exome Variant Server 0.00008.
gnomAD v4.1: 10 of 1,614,002 alleles (0.00062%); highest among the groups gnomAD compares: Admixed American, 0.0033%; no homozygotes.

Submissions (6):

Labcorp Genetics (formerly Invitae), Labcorp
Classification: Pathogenic. Last evaluated: 2025-07-02. Review status: criteria provided, single submitter. Criteria: Invitae Variant Classification Sherloc (09022015). Collection method: clinical testing. Allele origin: germline.
Comment: This sequence change replaces arginine, which is basic and polar, with tryptophan, which is neutral and slightly polar, at codon 336 of the UGT1A1 protein (p.Arg336Trp). This variant is present in population databases (rs139607673, gnomAD 0.007%). This missense change has been observed in individual(s) with UGT1A1-related hyperbilirubinemia (PMID: 9639672, 15712364, 19830808). In at least one individual the data is consistent with being in trans (on the opposite chromosome) from a pathogenic variant. ClinVar contains an entry for this variant (Variation ID: 437450). Invitae Evidence Modeling of protein sequence and biophysical properties (such as structural, functional, and spatial information, amino acid conservation, physicochemical variation, residue mobility, and thermodynamic stability) indicates that this missense variant is expected to disrupt UGT1A1 protein function with a positive predictive value of 80%. Experimental studies have shown that this missense change affects UGT1A1 function (PMID: 9639672, 19830808). For these reasons, this variant has been classified as Pathogenic.

PreventionGenetics, part of Exact Sciences
Classification: Pathogenic for UGT1A1-related condition. Last evaluated: 2025-06-02. Review status: criteria provided, single submitter. Criteria: ACMG Guidelines, 2015. Collection method: clinical testing. Allele origin: germline.
Comment: The UGT1A1 c.1006C>T variant is predicted to result in the amino acid substitution p.Arg336Trp. This variant has been reported in the compound heterozygous state or along with a second UGT1A1 variant in individuals with Crigler-Najjar syndrome (Ciotti et al. 1998. PubMed ID: 9639672; Sneitz et al. 2010. PubMed ID: 19830808; D'Antiga et al. 2023. PubMed ID: 37585628). This variant along with a second causative UGT1A1 variant segregated with disease in two affected siblings (Sneitz et al. 2010. PubMed ID: 19830808). Functional studies show that this variant results in 0-10% bilirubin glucuronidation expression compared to wildtype (Ciotti et al. 1998. PubMed ID: 9639672; Sneitz et al. 2010. PubMed ID: 19830808). Alternate missense changes at the same amino acid position (p.Arg336Gln, p.Arg336Leu) have been reported in individuals affected with Crigler-Najjar syndrome (Servedio. 2005. PubMed ID: 15712364). This variant is reported in 0.0062% of alleles in individuals of African descent in gnomAD. This variant is interpreted as pathogenic.

Institute Of Liver Studies, NHS South East Genomic Laboratory Hub
Classification: Pathogenic for Cholestasis. Last evaluated: 2025-02-20. Review status: criteria provided, single submitter. Criteria: ACGS Best Practice Guidelines for Variant Classification in Rare Disease 2020. Collection method: clinical testing. Allele origin: germline. Affected: yes.

ARUP Laboratories, Molecular Genetics and Genomics, ARUP Laboratories
Classification: Pathogenic. Last evaluated: 2024-04-04. Review status: criteria provided, single submitter. Criteria: ARUP Molecular Germline Variant Investigation Process 2024. Collection method: clinical testing. Allele origin: germline.
Comment: The UGT1A1 c.1006C>T; p.Arg336Trp variant (rs139607673, ClinVar ID: 437450), also known as UGT1A1*32, is reported in the literature in compound heterozygous individuals affected with Crigler-Najjar syndrome (Ciotti 1998, Servedio 2005, Sneitz 2010). This variant is only observed on one allele in the Genome Aggregation Database (v2.1.1), indicating it is not a common polymorphism. Computational analyses predict that this variant is deleterious (REVEL: 0.728). Functional analyses of the variant protein show severely reduced bilirubin glucuronidation activity compared to wild type (Ciotti 1998, Sneitz 2010). Additionally, other variants at this codon (c.1007G>A, p.Arg336Gln; c.1007G>T, p.Arg336Leu) have been reported in individuals with Crigler-Najjar syndrome (Abuduxikuer 2018, Servedio 2005). Based on available information, the p.Arg336Trp variant is considered to be pathogenic. References: Abuduxikuer K et al. UGT1A1 genotypes and unconjugated hyperbilirubinemia phenotypes in post-neonatal Chinese children: A retrospective analysis and quantitative correlation. Medicine (Baltimore). 2018 Dec. PMID: 30544479. Ciotti M et al. Coding defect and a TATA box mutation at the bilirubin UDP-glucuronosyltransferase gene cause Crigler-Najjar type I disease. Biochim Biophys Acta. 1998 Jul 1;1407(1):40-50. PMID: 9639672. Servedio V et al. Spectrum of UGT1A1 mutations in Crigler-Najjar (CN) syndrome patients: identification of twelve novel alleles and genotype-phenotype correlation. Hum Mutat. 2005 Mar;25(3):325. PMID: 15712364. Sneitz N et al. Crigler-Najjar syndrome in The Netherlands: identification of four novel UGT1A1 alleles, genotype-phenotype correlation, and functional analysis of 10 missense mutants. Hum Mutat. 2010 Jan;31(1):52-9. PMID: 19830808.

Eurofins Ntd Llc (ga)
Classification: Pathogenic. Last evaluated: 2017-11-06. Review status: criteria provided, single submitter. Criteria: EGL Classification Definitions 2015. Collection method: clinical testing. Allele origin: germline. Observed: 2 variant alleles, 2 heterozygotes.

Genomic Research Center, Shahid Beheshti University of Medical Sciences
Classification: Pathogenic for Crigler-Najjar syndrome. Last evaluated: 2017-06-07. Review status: criteria provided, single submitter. Criteria: ACMG Guidelines, 2015. Collection method: clinical testing. Allele origin: inherited. Affected: yes. Observed: 1 variant allele.

Literature cited by the submitters: PubMed 9639672 (cited by Labcorp Genetics (formerly Invitae), Labcorp); PubMed 15712364 (cited by Labcorp Genetics (formerly Invitae), Labcorp); PubMed 19830808 (cited by Labcorp Genetics (formerly Invitae), Labcorp).